The following is an entry in ClinVar:

ClinVar aggregate classification (germline): Likely benign (1 of 4 stars; one submission).

Submission:

CeGaT Center for Human Genetics Tuebingen
Classification: Likely benign. Last evaluated: 2026-02-01. Review status: criteria provided, single submitter. Criteria: CeGaT Center For Human Genetics Tuebingen Variant Classification Criteria Version 2. Collection method: clinical testing. Allele origin: germline. Affected: yes. Observed: 1 variant allele.
Comment: NACA: BP4, BP7

NM_001365896.1(NACA):c.3471T>C (p.Pro1157=)

Gene: NACA (nascent polypeptide associated complex subunit alpha; minus strand). Cytogenetic location: 12q13.3.
Variant type: single nucleotide variant.
Coding change: c.3471T>C on transcript NM_001365896.1 (MANE Select); coding-DNA position 3471, T replaced by C.
Protein change: p.Pro1157=; no amino-acid change (proline 1157 retained).
Molecular consequence: synonymous variant. On other transcripts: intron variant (6).
Genome position (GRCh38, 1-based): chr12:56,718,059, A>G on the plus strand (T>C on the coding strand, the complement: NACA is on the minus strand). VCF-style: chr12-56718059-A-G. GRCh37 (hg19) VCF-style: chr12-57111843-A-G.
Other names: c.71-3372T>C (NM_001113202.2, NM_001320194.2, NM_001320193.2 and 2 more transcripts); c.1864+1478T>C (NM_001113203.3).
Identifiers: ClinVar variation 4821207 (VCV004821207.4).